The following is an entry in ClinVar:

ClinVar aggregate classification (germline): Uncertain significance (1 of 4 stars; one submission).

Conditions:
Inborn genetic diseases. Identifiers: MedGen C0950123, MeSH D030342.

Submission:

Ambry Genetics
Classification: Uncertain significance for Inborn genetic diseases. Last evaluated: 2025-11-15. Review status: criteria provided, single submitter. Criteria: Ambry Variant Classification Scheme 2023. Collection method: clinical testing. Allele origin: germline.
Comment: The p.R223K variant (also known as c.668G>A), located in coding exon 4 of the ERCC6L2 gene, results from a G to A substitution at nucleotide position 668. The arginine at codon 223 is replaced by lysine, an amino acid with highly similar properties. This amino acid position is conserved. In addition, this alteration is predicted to be tolerated by in silico analysis. Based on the available evidence, the clinical significance of this variant remains unclear.

NM_020207.7(ERCC6L2):c.668G>A (p.Arg223Lys)

Gene: ERCC6L2 (ERCC excision repair 6 like 2; plus strand). Cytogenetic location: 9q22.32.
Variant type: single nucleotide variant.
Coding change: c.668G>A on transcript NM_020207.7 (MANE Select); coding-DNA position 668, G replaced by A.
Protein change: p.Arg223Lys; replaces arginine 223 with lysine.
Molecular consequence: missense variant. On other transcripts: non-coding transcript variant (1).
Genome position (GRCh38, 1-based): chr9:95,907,151, G>A. VCF-style: chr9-95907151-G-A. GRCh37 (hg19) VCF-style: chr9-98669433-G-A.
Other names: c.668G>A, p.Arg223Lys (NM_001010895.4, NM_001375291.1, NM_001375292.1 and 2 more transcripts); short protein forms R223K.
Identifiers: ClinVar variation 4618761 (VCV004618761.1).